The following is an entry in ClinVar:

NM_006371.5(CRTAP):c.*2416T>C

Gene: CRTAP (cartilage associated protein; plus strand). Cytogenetic location: 3p22.3.
Variant type: single nucleotide variant.
Coding change: c.*2416T>C on transcript NM_006371.5 (MANE Select); 2416 bases downstream of the stop codon, T replaced by C.
Molecular consequence: 3 prime UTR variant.
Genome position (GRCh38, 1-based): chr3:33,144,864, T>C. VCF-style: chr3-33144864-T-C. GRCh37 (hg19) VCF-style: chr3-33186356-T-C.
Other names: c.*2416T>C (NM_001393363.1, NM_001393364.1, NM_001393365.1).
Identifiers: ClinVar variation 344851 (VCV000344851.6), dbSNP rs1127898, ClinGen allele CA10618487.

ClinVar aggregate classification (germline): Benign. Review status: criteria provided, multiple submitters, no conflicts (2 of 4 stars). 2 submissions from 2 submitters: Benign (2). Last evaluated 2018-01-12.

Conditions:
Osteogenesis imperfecta type 7 (OI7). Also called: OI type 7; OI type VII; OSTEOGENESIS IMPERFECTA, TYPE IIB; Osteogenesis imperfecta type 2B; OI type 2B; Osteogenesis imperfecta, perinatal lethal autosomal recessive. Identifiers: MedGen C1853162, MONDO:0012536, OMIM 610682.

Allele frequency attached by ClinVar (database versions not stated): gnomAD 0.27685 and 0.28346; TOPMed 0.28218; gnomAD exomes 0.34615; 1000 Genomes Project 30x 0.35681; 1000 Genomes Project 0.36102.
gnomAD v4.1: 42,957 of 152,028 alleles (28%); highest among the groups gnomAD compares: East Asian, 54%; 6,558 homozygotes.

Submissions (2):

Illumina Laboratory Services, Illumina
Classification: Benign for Osteogenesis imperfecta type 7. Last evaluated: 2018-01-12. Review status: criteria provided, single submitter. Criteria: ICSL Variant Classification Criteria 13 December 2019. Collection method: clinical testing. Allele origin: germline.
Comment: This variant was observed in the ICSL laboratory as part of a predisposition screen in an ostensibly healthy population. It had not been previously curated by ICSL or reported in the Human Gene Mutation Database (HGMD: prior to June 1st, 2018), and was therefore a candidate for classification through an automated scoring system. Utilizing variant allele frequency, disease prevalence and penetrance estimates, and inheritance mode, an automated score was calculated to assess if this variant is too frequent to cause the disease. Based on the score and internal cut-off values, a variant classified as benign is not then subjected to further curation. The score for this variant resulted in a classification of benign for this disease.

Breakthrough Genomics
Classification: Benign. Review status: criteria provided, single submitter. Criteria: ACMG Guidelines, 2015. Collection method: not provided. Allele origin: germline. Inheritance: Autosomal recessive inheritance. Affected: yes.